The following is an entry in ClinVar:

NM_006172.4(NPPA):c.16ACC[4] (p.Thr8_Val9insThr)

Genes: NPPA (natriuretic peptide A; minus strand), LOC114827827 (VISTA enhancer hs2123; plus strand). Cytogenetic location: 1p36.22.
Variant type: Microsatellite.
Coding change: c.16ACC[4] on transcript NM_006172.4 (MANE Select); four copies in a row of the 3-base unit ACC starting at c.16; the reference has three copies in a row; one copy, 3 bases duplicated.
Protein change: p.Thr8_Val9insThr.
Genome position (GRCh38, 1-based): chr1:11,847,661-11,847,663, GGT duplicated on the plus strand (ACC on the coding strand, the reverse complement: NPPA is on the minus strand); duplicating any 3 consecutive bases within chr1:11,847,661-11,847,671 gives the same sequence; the position shown is the placement nearest the transcript's 3' end. VCF-style (leftmost placement, unchanged base first): chr1-11847660-C-CGGT. GRCh37 (hg19) VCF-style: chr1-11907717-C-CGGT.
Identifiers: ClinVar variation 3714203 (VCV003714203.2).

ClinVar aggregate classification (germline): Uncertain significance (1 of 4 stars; one submission).

Conditions:
Atrial fibrillation, familial, 6 (ATFB6). Identifiers: MedGen C2677294, MONDO:0012816, OMIM 612201.

Submission:

Labcorp Genetics (formerly Invitae), Labcorp
Classification: Uncertain significance for Atrial fibrillation, familial, 6. Last evaluated: 2024-05-15. Review status: criteria provided, single submitter. Criteria: Invitae Variant Classification Sherloc (09022015). Collection method: clinical testing. Allele origin: germline.
Comment: This variant, c.22_24dup, results in the insertion of 1 amino acid(s) of the NPPA protein (p.Thr8dup), but otherwise preserves the integrity of the reading frame. This variant is present in population databases (rs760300711, gnomAD 0.006%). This variant has not been reported in the literature in individuals affected with NPPA-related conditions. In summary, the available evidence is currently insufficient to determine the role of this variant in disease. Therefore, it has been classified as a Variant of Uncertain Significance.